The following is an entry in ClinVar:

ClinVar aggregate classification (germline): Uncertain significance. Review status: criteria provided, multiple submitters, no conflicts (2 of 4 stars). 2 submissions from 2 submitters: Uncertain significance (2). Last evaluated 2023-11-27.

Conditions:
Inborn genetic diseases. Identifiers: MedGen C0950123, MeSH D030342.

Allele frequency attached by ClinVar (database versions not stated): TOPMed 0.00002; gnomAD 0.00003; ExAC 0.00004; gnomAD exomes 0.00004 and 0.00006.

Submissions (2):

Labcorp Genetics (formerly Invitae), Labcorp
Classification: Uncertain significance. Last evaluated: 2023-11-27. Review status: criteria provided, single submitter. Criteria: Invitae Variant Classification Sherloc (09022015). Collection method: clinical testing. Allele origin: germline.
Comment: This sequence change replaces serine, which is neutral and polar, with leucine, which is neutral and non-polar, at codon 387 of the LAMC3 protein (p.Ser387Leu). This variant is present in population databases (rs751314241, gnomAD 0.01%). This variant has not been reported in the literature in individuals affected with LAMC3-related conditions. ClinVar contains an entry for this variant (Variation ID: 1395521). Algorithms developed to predict the effect of missense changes on protein structure and function output the following: SIFT: "Not Available"; PolyPhen-2: "Benign"; Align-GVGD: "Not Available". The leucine amino acid residue is found in multiple mammalian species, which suggests that this missense change does not adversely affect protein function. In summary, the available evidence is currently insufficient to determine the role of this variant in disease. Therefore, it has been classified as a Variant of Uncertain Significance.

Ambry Genetics
Classification: Uncertain significance for Inborn genetic diseases. Last evaluated: 2022-01-13. Review status: criteria provided, single submitter. Criteria: Ambry Variant Classification Scheme 2023. Collection method: clinical testing. Allele origin: germline.

NM_006059.4(LAMC3):c.1160C>T (p.Ser387Leu)

Gene: LAMC3 (laminin subunit gamma 3; plus strand). Cytogenetic location: 9q34.12.
Variant type: single nucleotide variant.
Coding change: c.1160C>T on transcript NM_006059.4 (MANE Select); coding-DNA position 1160, C replaced by T.
Protein change: p.Ser387Leu; replaces serine 387 with leucine.
Molecular consequence: missense variant.
Genome position (GRCh38, 1-based): chr9:131,039,047, C>T. VCF-style: chr9-131039047-C-T. GRCh37 (hg19) VCF-style: chr9-133914434-C-T.
Other names: c.1160C>T (NM_006059.3); short protein forms S387L.
Identifiers: ClinVar variation 1395521 (VCV001395521.5), dbSNP rs751314241, ClinGen allele CA5286957.